The following is an entry in ClinVar:

ClinVar aggregate classification (germline): Uncertain significance (1 of 4 stars; one submission).

Allele frequency attached by ClinVar (database versions not stated): ExAC 0.00001; gnomAD 0.00001; gnomAD exomes 0.00001 and 0.00002; 1000 Genomes Project 30x 0.00016; 1000 Genomes Project 0.00020.
gnomAD v4.1: 20 of 1,590,942 alleles (0.0013%); highest among the groups gnomAD compares: South Asian, 0.021%; no homozygotes.

Submission:

Labcorp Genetics (formerly Invitae), Labcorp
Classification: Uncertain significance. Last evaluated: 2021-02-22. Review status: criteria provided, single submitter. Criteria: Invitae Variant Classification Sherloc (09022015). Collection method: clinical testing. Allele origin: germline.
Comment: This sequence change replaces glutamic acid with glycine at codon 15 of the RP1L1 protein (p.Glu15Gly). The glutamic acid residue is weakly conserved and there is a moderate physicochemical difference between glutamic acid and glycine. This variant is present in population databases (rs575228025, ExAC 0.009%). This variant has not been reported in the literature in individuals with RP1L1-related conditions. Advanced modeling of protein sequence and biophysical properties (such as structural, functional, and spatial information, amino acid conservation, physicochemical variation, residue mobility, and thermodynamic stability) performed at Invitae indicates that this missense variant is not expected to disrupt RP1L1 protein function. In summary, the available evidence is currently insufficient to determine the role of this variant in disease. Therefore, it has been classified as a Variant of Uncertain Significance.

NM_178857.6(RP1L1):c.44A>G (p.Glu15Gly)

Gene: RP1L1 (RP1 like 1). Cytogenetic location: 8p23.1.
Variant type: single nucleotide variant.
Coding change: c.44A>G on transcript NM_178857.6 (MANE Select); coding-DNA position 44, A replaced by G.
Protein change: p.Glu15Gly; replaces glutamic acid 15 with glycine.
Molecular consequence: missense variant.
Genome position (GRCh38, 1-based): chr8:10,623,158, T>C on the plus strand (A>G on the coding strand, the complement: RP1L1 is on the minus strand). VCF-style: chr8-10623158-T-C. GRCh37 (hg19) VCF-style: chr8-10480668-T-C.
Other names: short protein forms E15G.
Identifiers: ClinVar variation 1467900 (VCV001467900.8), dbSNP rs575228025, ClinGen allele CA4625905.